The following is an entry in ClinVar:

NM_001903.5(CTNNA1):c.380C>T (p.Ala127Val)

Gene: CTNNA1 (catenin alpha 1; plus strand). Cytogenetic location: 5q31.2.
Variant type: single nucleotide variant.
Coding change: c.380C>T on transcript NM_001903.5 (MANE Select); coding-DNA position 380, C replaced by T.
Protein change: p.Ala127Val; replaces alanine 127 with valine.
Molecular consequence: missense variant.
Genome position (GRCh38, 1-based): chr5:138,810,116, C>T. VCF-style: chr5-138810116-C-T. GRCh37 (hg19) VCF-style: chr5-138145805-C-T.
Other names: c.380C>T, p.Ala127Val (NM_001290307.3, NM_001323982.2, NM_001323983.1 and 3 more transcripts); c.71C>T, p.Ala24Val (NM_001290309.3); c.11C>T, p.Ala4Val (NM_001290310.3); short protein forms A127V, A24V, A4V.
Identifiers: ClinVar variation 1721505 (VCV001721505.9), dbSNP rs2532330218, ClinGen allele CA361123120.

ClinVar aggregate classification (germline): Uncertain significance. Review status: criteria provided, multiple submitters, no conflicts (2 of 4 stars). 2 submissions from 2 submitters: Uncertain significance (2). Last evaluated 2025-02-14.

Conditions:
Hereditary cancer-predisposing syndrome. Also called: Hereditary neoplastic syndrome; Neoplastic Syndromes, Hereditary; Hereditary Cancer Syndrome; Tumor predisposition. Identifiers: Orphanet 140162, MedGen C0027672, MeSH D009386, MONDO:0015356.

Submissions (2):

Ambry Genetics
Classification: Uncertain significance for Hereditary cancer-predisposing syndrome. Last evaluated: 2025-02-14. Review status: criteria provided, single submitter. Criteria: Ambry Variant Classification Scheme 2023. Collection method: clinical testing. Allele origin: germline.
Comment: The p.A127V variant (also known as c.380C>T), located in coding exon 3 of the CTNNA1 gene, results from a C to T substitution at nucleotide position 380. The alanine at codon 127 is replaced by valine, an amino acid with similar properties. This amino acid position is conserved. In addition, this alteration is predicted to be deleterious by in silico analysis. Since supporting evidence is limited at this time, the clinical significance of this alteration remains unclear.

Labcorp Genetics (formerly Invitae), Labcorp
Classification: Uncertain significance. Last evaluated: 2024-10-15. Review status: criteria provided, single submitter. Criteria: Invitae Variant Classification Sherloc (09022015). Collection method: clinical testing. Allele origin: germline.
Comment: This sequence change replaces alanine, which is neutral and non-polar, with valine, which is neutral and non-polar, at codon 127 of the CTNNA1 protein (p.Ala127Val). This variant is not present in population databases (gnomAD no frequency). This variant has not been reported in the literature in individuals affected with CTNNA1-related conditions. ClinVar contains an entry for this variant (Variation ID: 1721505). Invitae Evidence Modeling of protein sequence and biophysical properties (such as structural, functional, and spatial information, amino acid conservation, physicochemical variation, residue mobility, and thermodynamic stability) indicates that this missense variant is not expected to disrupt CTNNA1 protein function with a negative predictive value of 80%. In summary, the available evidence is currently insufficient to determine the role of this variant in disease. Therefore, it has been classified as a Variant of Uncertain Significance.